The following is an entry in ClinVar:

ClinVar aggregate classification (germline): Pathogenic/Likely pathogenic. Review status: criteria provided, multiple submitters, no conflicts (2 of 4 stars). 4 submissions from 4 submitters: Pathogenic (2); Likely pathogenic (2). Last evaluated 2023-08-11.

Conditions:
Hereditary cancer-predisposing syndrome. Also called: Neoplastic Syndromes, Hereditary; Tumor predisposition; Hereditary Cancer Syndrome; Hereditary neoplastic syndrome. Identifiers: Orphanet 140162, MedGen C0027672, MeSH D009386, MONDO:0015356.
Hereditary nonpolyposis colon cancer (HNPCC). Also called: Hereditary Nonpolyposis Colorectal Cancer Syndrome; Hereditary nonpolyposis colorectal cancer; Familial nonpolyposis colon cancer. Identifiers: Orphanet 443909, MedGen C1333990, MONDO:0018630. Disease mechanism: loss of function.
Lynch syndrome 5 (LYNCH5). Also called: Colorectal cancer, hereditary nonpolyposis, type 5; Hereditary non-polyposis colorectal cancer, type 5. Identifiers: Orphanet 144, MedGen C1833477, MONDO:0013710, OMIM 614350. Disease mechanism: loss of function.
Endometrial carcinoma. Also called: Endometrial carcinoma, somatic. Identifiers: MedGen C0476089, MONDO:0002447, OMIM 608089, HP:0012114.

Submissions (4):

Myriad Genetics, Inc.
Classification: Pathogenic for Lynch syndrome 5. Last evaluated: 2023-08-11. Review status: criteria provided, single submitter. Criteria: Myriad Autosomal Dominant, Autosomal Recessive and X-Linked Classification Criteria (2023). Collection method: clinical testing. Allele origin: unknown.
Comment: This variant is considered pathogenic. This variant creates a frameshift predicted to result in premature protein truncation.

Women's Health and Genetics/Laboratory Corporation of America, LabCorp
Classification: Likely pathogenic for Hereditary nonpolyposis colon cancer. Last evaluated: 2023-02-06. Review status: criteria provided, single submitter. Criteria: LabCorp Variant Classification Summary - May 2015. Collection method: clinical testing. Allele origin: germline.
Comment: Variant summary: MSH6 c.1266dupT (p.Leu423SerfsX12) results in a premature termination codon, predicted to cause a truncation of the encoded protein or absence of the protein due to nonsense mediated decay, which are commonly known mechanisms for disease. Truncations downstream of this position have been classified as pathogenic by our laboratory. The variant was absent in 251362 control chromosomes (gnomAD). To our knowledge, no occurrence of c.1266dupT in individuals affected with Lynch Syndrome/Hereditary Nonpolyposis Colorectal Cancer (HNPCC) and no experimental evidence demonstrating its impact on protein function have been reported. One clinical diagnostic laboratory has submitted a clinical-significance assessment for this variant to ClinVar after 2014 and classified the variant as pathogenic. Based on the evidence outlined above, the variant was classified as likely pathogenic.

Baylor Genetics
Classification: Likely pathogenic for Endometrial carcinoma. Last evaluated: 2021-04-09. Review status: criteria provided, single submitter. Criteria: ACMG Guidelines, 2015. Collection method: clinical testing. Allele origin: unknown.

Ambry Genetics
Classification: Pathogenic for Hereditary cancer-predisposing syndrome. Last evaluated: 2019-08-28. Review status: criteria provided, single submitter. Criteria: Ambry Variant Classification Scheme 2023. Collection method: clinical testing. Allele origin: germline.
Comment: The c.1266dupT variant, located in coding exon 4 of the MSH6 gene, results from a duplication of T at nucleotide position 1266, causing a translational frameshift with a predicted alternate stop codon (p.L423Sfs*12). This alteration is expected to result in loss of function by premature protein truncation or nonsense-mediated mRNA decay. As such, this alteration is interpreted as a disease-causing mutation.

NM_000179.3(MSH6):c.1266dup (p.Leu423fs)

Gene: MSH6 (mutS homolog 6; plus strand). Cytogenetic location: 2p16.3.
Variant type: Duplication.
Coding change: c.1266dup on transcript NM_000179.3 (MANE Select); coding-DNA position 1266, one base duplicated (T; older notation c.1266dupT).
Protein change: p.Leu423fs; shifts the reading frame from leucine 423.
Molecular consequence: frameshift variant.
Genome position (GRCh38, 1-based): chr2:47,799,249, T duplicated. VCF-style (leftmost placement, unchanged base first): chr2-47799248-A-AT. GRCh37 (hg19) VCF-style: chr2-48026387-A-AT.
Other names: c.741dup, p.Leu248Serfs (NM_001406806.1, NM_001406807.1, NM_001406799.1); c.360dup, p.Leu121Serfs (NM_001406811.1, NM_001406812.1, NM_001406814.1 and 4 more transcripts); c.1266dup, p.Leu423Serfs (NM_001406808.1, NM_001406809.1, NM_001406796.1 and 4 more transcripts); c.876dup, p.Leu293fs (NM_001281492.2); c.360dup, p.Leu121fs (NM_001281493.2, NM_001281494.2); c.1362dup, p.Leu455Serfs (NM_001406795.1, NM_001406802.1); c.969dup, p.Leu324Serfs (NM_001406797.1, NM_001406801.1, NM_001406805.1 and 10 more transcripts); c.1188dup, p.Leu397Serfs (NM_001406804.1); and 3 more; short protein forms L121fs, L423fs, L293fs.
Identifiers: ClinVar variation 1764251 (VCV001764251.5), dbSNP rs2530600118, ClinGen allele CA2580067540.